The following is an entry in ClinVar:

ClinVar aggregate classification (germline): Uncertain significance (1 of 4 stars; one submission).

Conditions:
Hyperkalemic periodic paralysis. Also called: Familial hyperkalemic periodic paralysis; Gamstorp disease. Identifiers: Orphanet 682, MedGen C0238357, MONDO:0008224, OMIM 170500, HP:0007215.

gnomAD v4.1: 3 of 1,613,946 alleles (0.00019%); highest among the groups gnomAD compares: African/African-American, 0.0027%; no homozygotes.

Submission:

Labcorp Genetics (formerly Invitae), Labcorp
Classification: Uncertain significance for Hyperkalemic periodic paralysis. Last evaluated: 2022-08-27. Review status: criteria provided, single submitter. Criteria: Invitae Variant Classification Sherloc (09022015). Collection method: clinical testing. Allele origin: germline.
Comment: Algorithms developed to predict the effect of missense changes on protein structure and function (SIFT, PolyPhen-2, Align-GVGD) all suggest that this variant is likely to be disruptive. This variant has not been reported in the literature in individuals affected with SCN4A-related conditions. This variant is present in population databases (no rsID available, gnomAD 0.003%). This sequence change replaces asparagine, which is neutral and polar, with lysine, which is basic and polar, at codon 661 of the SCN4A protein (p.Asn661Lys). In summary, the available evidence is currently insufficient to determine the role of this variant in disease. Therefore, it has been classified as a Variant of Uncertain Significance.

NM_000334.4(SCN4A):c.1983C>A (p.Asn661Lys)

Gene: SCN4A (sodium voltage-gated channel alpha subunit 4; minus strand). Cytogenetic location: 17q23.3.
Variant type: single nucleotide variant.
Coding change: c.1983C>A on transcript NM_000334.4 (MANE Select); coding-DNA position 1983, C replaced by A.
Protein change: p.Asn661Lys; replaces asparagine 661 with lysine.
Molecular consequence: missense variant.
Genome position (GRCh38, 1-based): chr17:63,959,301, G>T on the plus strand (C>A on the coding strand, the complement: SCN4A is on the minus strand). VCF-style: chr17-63959301-G-T. GRCh37 (hg19) VCF-style: chr17-62036661-G-T.
Other names: short protein forms N661K.
Identifiers: ClinVar variation 1930180 (VCV001930180.5), dbSNP rs370216331, ClinGen allele CA400631670.